The following is an entry in ClinVar:

GRCh38/hg38 6q22.31(chr6:118975015-125713307)x1

Genes: CLVS2 (clavesin 2; plus strand), FABP7 (fatty acid binding protein 7; plus strand), FAM184A (family with sequence similarity 184 member A; minus strand), GJA1 (gap junction protein alpha 1; plus strand), HDDC2 (HD domain containing 2; minus strand) and 88 more. Cytogenetic location: 6q22.31.
Variant type: copy number loss.
Change: copy number 1 (one copy instead of two) of chr6:118,975,015-125,713,307 (6.74 Mb, GRCh38 coordinates, 1-based), cytogenetic band 6q22.31.
Identifiers: ClinVar variation 58443 (VCV000058443.1).

ClinVar aggregate classification (germline): Pathogenic (1 of 4 stars; one submission).

Submission:

ISCA site 17
Classification: Pathogenic. Last evaluated: 2011-08-12. Review status: criteria provided, single submitter. Criteria: Kaminsky et al. (Genet Med. 2011). Collection method: clinical testing. Allele origin: unknown. Affected: yes. Observed: 1 variant allele.
Comment: Copy number variation identified through the course of routine clinical cytogenomic testing in postnatal populations. Clinical assertions have been curated as described in Kaminsky et al. 2011.